The following is an entry in ClinVar:

NC_000022.10:g.(?_50515250)_(50515951_?)del

Gene: MLC1 (modulator of VRAC current 1; minus strand). Cytogenetic location: 22q13.33.
Variant type: Deletion.
Identifiers: ClinVar variation 2426088 (VCV002426088.3).

ClinVar aggregate classification (germline): Uncertain significance (1 of 4 stars; one submission).

Submission:

Labcorp Genetics (formerly Invitae), Labcorp
Classification: Uncertain significance. Last evaluated: 2022-07-14. Review status: criteria provided, single submitter. Criteria: Invitae Variant Classification Sherloc (09022015). Collection method: clinical testing. Allele origin: germline.
Comment: This variant is a gross deletion of the genomic region encompassing exon(s) 6-7 of the MLC1 gene. This variant would be expected to be in-frame, preserving the integrity of the reading frame. This variant has not been reported in the literature in individuals affected with MLC1-related conditions. Experimental studies and prediction algorithms are not available or were not evaluated, and the functional significance of this variant is currently unknown. In summary, the available evidence is currently insufficient to determine the role of this variant in disease. Therefore, it has been classified as a Variant of Uncertain Significance.